The following is an entry in ClinVar:

NM_014283.5(SUCO):c.2503G>A (p.Asp835Asn)

Gene: SUCO (SUN domain containing ossification factor; plus strand). Cytogenetic location: 1q24.3.
Variant type: single nucleotide variant.
Coding change: c.2503G>A on transcript NM_014283.5 (MANE Select); coding-DNA position 2503, G replaced by A.
Protein change: p.Asp835Asn; replaces aspartic acid 835 with asparagine.
Molecular consequence: missense variant. On other transcripts: intron variant (1).
Genome position (GRCh38, 1-based): chr1:172,589,604, G>A. VCF-style: chr1-172589604-G-A. GRCh37 (hg19) VCF-style: chr1-172558744-G-A.
Other names: c.2503G>A (NM_014283.3); c.814G>A, p.Asp272Asn (NM_001282751.2); c.2956G>A, p.Asp986Asn (NM_016227.4); c.1712+680G>A (NM_001282750.2); short protein forms D272N, D986N, D835N.
Identifiers: ClinVar variation 1420720 (VCV001420720.9), dbSNP rs547712281, ClinGen allele CA1247091.
Genomic context (GRCh38, chr1:172,589,604, plus strand): 5'-CAAATTTTCACAAAGCTGTCTGAAACAATAGTGCCACCAATAAATACAGCCACTGTACCC[G>A]ACAATGAAGATGGGGAAGCCAAAATGAATATAGCTGACACAGCAAAGCAAACTTTGATTT-3'
Protein context (NP_055098.1, residues 825-845): VPPINTATVP[Asp835Asn]NEDGEAKMNI

ClinVar aggregate classification (germline): Uncertain significance. Review status: criteria provided, multiple submitters, no conflicts (2 of 4 stars). 2 submissions from 2 submitters: Uncertain significance (2). Last evaluated 2024-12-31.

Allele frequency attached by ClinVar (database versions not stated): gnomAD 0.00002 and 0.00005; TOPMed 0.00005.
gnomAD v4.1: 65 of 1,613,846 alleles (0.004%); highest among the groups gnomAD compares: East Asian, 0.047%; no homozygotes.

Submissions (2):

Labcorp Genetics (formerly Invitae), Labcorp
Classification: Uncertain significance. Last evaluated: 2024-12-31. Review status: criteria provided, single submitter. Criteria: Invitae Variant Classification Sherloc (09022015). Collection method: clinical testing. Allele origin: germline.
Comment: This sequence change replaces aspartic acid, which is acidic and polar, with asparagine, which is neutral and polar, at codon 835 of the SUCO protein (p.Asp835Asn). This variant is present in population databases (rs547712281, gnomAD 0.04%). This variant has not been reported in the literature in individuals affected with SUCO-related conditions. ClinVar contains an entry for this variant (Variation ID: 1420720). An algorithm developed to predict the effect of missense changes on protein structure and function (PolyPhen-2) suggests that this variant is likely to be tolerated. In summary, the available evidence is currently insufficient to determine the role of this variant in disease. Therefore, it has been classified as a Variant of Uncertain Significance.

Ambry Genetics
Classification: Uncertain significance. Last evaluated: 2024-04-01. Review status: criteria provided, single submitter. Criteria: Ambry Variant Classification Scheme 2023. Collection method: clinical testing. Allele origin: germline.